The following is an entry in ClinVar:

NM_002519.3(NPAT):c.3923C>T (p.Pro1308Leu)

Gene: NPAT (nuclear protein, coactivator of histone transcription; minus strand). Cytogenetic location: 11q22.3.
Variant type: single nucleotide variant.
Coding change: c.3923C>T on transcript NM_002519.3 (MANE Select); coding-DNA position 3923, C replaced by T.
Protein change: p.Pro1308Leu; replaces proline 1308 with leucine.
Molecular consequence: missense variant.
Genome position (GRCh38, 1-based): chr11:108,161,163, G>A on the plus strand (C>T on the coding strand, the complement: NPAT is on the minus strand). VCF-style: chr11-108161163-G-A. GRCh37 (hg19) VCF-style: chr11-108031890-G-A.
Other names: c.3944C>T, p.Pro1315Leu (NM_001321307.1); short protein forms P1308L, P1315L.
Identifiers: ClinVar variation 1736218 (VCV001736218.2), dbSNP rs2077843723, ClinGen allele CA382509749.

ClinVar aggregate classification (germline): Uncertain significance (1 of 4 stars; one submission).

Allele frequency attached by ClinVar (database versions not stated): gnomAD exomes 0.00001.
gnomAD v4.1: 11 of 1,614,156 alleles (0.00068%); highest among the groups gnomAD compares: East Asian, 0.0089%; no homozygotes.

Submission:

Ambry Genetics
Classification: Uncertain significance. Last evaluated: 2022-02-28. Review status: criteria provided, single submitter. Criteria: Ambry Variant Classification Scheme 2023. Collection method: clinical testing. Allele origin: germline.
Comment: The p.P1308L variant (also known as c.3923C>T), located in coding exon 17 of the NPAT gene, results from a C to T substitution at nucleotide position 3923. The proline at codon 1308 is replaced by leucine, an amino acid with similar properties. This amino acid position is conserved. In addition, the in silico prediction for this alteration is inconclusive. Since supporting evidence is limited at this time, the clinical significance of this alteration remains unclear.